The following is an entry in ClinVar:

NM_001048174.2(MUTYH):c.1147C>A (p.Pro383Thr)

Gene: MUTYH (mutY DNA glycosylase; minus strand). Cytogenetic location: 1p34.1.
Variant type: single nucleotide variant.
Coding change: c.1147C>A on transcript NM_001048174.2 (MANE Select); coding-DNA position 1147, C replaced by A.
Protein change: p.Pro383Thr; replaces proline 383 with threonine.
Molecular consequence: missense variant. On other transcripts: non-coding transcript variant (2).
Genome position (GRCh38, 1-based): chr1:45,331,512, G>T on the plus strand (C>A on the coding strand, the complement: MUTYH is on the minus strand). VCF-style: chr1-45331512-G-T. GRCh37 (hg19) VCF-style: chr1-45797184-G-T.
Other names: c.1147C>A, p.Pro383Thr (NM_001048171.2, NM_001048173.2, NM_001293195.2); c.1150C>A, p.Pro384Thr (NM_001048172.2); c.1231C>A, p.Pro411Thr (NM_001128425.2); c.1192C>A, p.Pro398Thr (NM_001293190.2); c.1180C>A, p.Pro394Thr (NM_001293191.2); c.871C>A, p.Pro291Thr (NM_001293192.2, NM_001293196.2); c.802C>A, p.Pro268Thr (NM_001350650.2, NM_001350651.2); c.1222C>A, p.Pro408Thr (NM_012222.3); short protein forms P268T, P398T, P383T, P394T, P411T, P291T, P384T, P408T.
Identifiers: ClinVar variation 1435454 (VCV001435454.12), dbSNP rs2149120668, ClinGen allele CA340133019.

ClinVar aggregate classification (germline): Conflicting classifications of pathogenicity. Review status: criteria provided, conflicting classifications (1 of 4 stars). 2 submissions from 2 submitters: Uncertain significance (1); Benign (1). Last evaluated 2025-09-09.

Conditions:
Familial adenomatous polyposis 2. Also called: COLORECTAL ADENOMATOUS POLYPOSIS, AUTOSOMAL RECESSIVE; ADENOMAS, MULTIPLE COLORECTAL, AUTOSOMAL RECESSIVE; MUTYH-associated polyposis; MUTYH Polyposis; Adenomas, multiple colorectal; MUTYH-related attenuated familial adenomatous polyposis. Identifiers: Orphanet 220460, Orphanet 247798, MedGen C3272841, MONDO:0012041, OMIM 608456.
Hereditary cancer-predisposing syndrome. Also called: Hereditary Cancer Syndrome; Neoplastic Syndromes, Hereditary; Hereditary neoplastic syndrome; Tumor predisposition. Identifiers: Orphanet 140162, MedGen C0027672, MeSH D009386, MONDO:0015356.

gnomAD v4.1: 2 of 1,614,104 alleles (0.00012%); highest among the groups gnomAD compares: Non-Finnish European, 0.00017%; no homozygotes.

Submissions (2):

Ambry Genetics
Classification: Benign for Hereditary cancer-predisposing syndrome. Last evaluated: 2025-09-09. Review status: criteria provided, single submitter. Criteria: Ambry Variant Classification Scheme 2023. Collection method: clinical testing. Allele origin: germline.

Labcorp Genetics (formerly Invitae), Labcorp
Classification: Uncertain significance for Familial adenomatous polyposis 2. Last evaluated: 2023-07-21. Review status: criteria provided, single submitter. Criteria: Invitae Variant Classification Sherloc (09022015). Collection method: clinical testing. Allele origin: germline.
Comment: In summary, the available evidence is currently insufficient to determine the role of this variant in disease. Therefore, it has been classified as a Variant of Uncertain Significance. An algorithm developed to predict the effect of missense changes on protein structure and function (PolyPhen-2) suggests that this variant is likely to be tolerated. ClinVar contains an entry for this variant (Variation ID: 1435454). This sequence change replaces proline, which is neutral and non-polar, with threonine, which is neutral and polar, at codon 411 of the MUTYH protein (p.Pro411Thr). This variant is not present in population databases (gnomAD no frequency). This variant has not been reported in the literature in individuals affected with MUTYH-related conditions.